The following is an entry in ClinVar:

NM_001024630.4(RUNX2):c.894del (p.Tyr299fs)

Gene: RUNX2 (RUNX family transcription factor 2; plus strand). Cytogenetic location: 6p21.1.
Variant type: Deletion.
Coding change: c.894del on transcript NM_001024630.4 (MANE Select); coding-DNA position 894, one base deleted (C; older notation c.894delC).
Protein change: p.Tyr299fs; shifts the reading frame from tyrosine 299.
Molecular consequence: frameshift variant.
Genome position (GRCh38, 1-based): chr6:45,512,280, C deleted; the last of 2 consecutive C bases (chr6:45,512,279-45,512,280); deleting either gives the same sequence. VCF-style (leftmost placement, unchanged base first): chr6-45512278-TC-T. GRCh37 (hg19) VCF-style: chr6-45480015-TC-T.
Other names: c.894del, p.Tyr299fs (NM_001015051.4); c.852del, p.Tyr285fs (NM_001278478.2, NM_001369405.1); short protein forms Y285fs, Y299fs.
Identifiers: ClinVar variation 4721386 (VCV004721386.1).

ClinVar aggregate classification (germline): Pathogenic (1 of 4 stars; one submission).

Submission:

Labcorp Genetics (formerly Invitae), Labcorp
Classification: Pathogenic. Last evaluated: 2025-06-14. Review status: criteria provided, single submitter. Criteria: Invitae Variant Classification Sherloc (09022015). Collection method: clinical testing. Allele origin: germline.
Comment: This sequence change creates a premature translational stop signal (p.Tyr299Metfs*9) in the RUNX2 gene. It is expected to result in an absent or disrupted protein product. Loss-of-function variants in RUNX2 are known to be pathogenic (PMID: 10521292, 11857736). This variant is not present in population databases (gnomAD no frequency). This variant has not been reported in the literature in individuals affected with RUNX2-related conditions. For these reasons, this variant has been classified as Pathogenic.

Literature cited by the submitters: PubMed 10521292; PubMed 11857736.